The following is an entry in ClinVar:

NM_001042492.3(NF1):c.1660C>T (p.Gln554Ter)

Gene: NF1 (neurofibromin 1; plus strand). Cytogenetic location: 17q11.2.
Variant type: single nucleotide variant.
Coding change: c.1660C>T on transcript NM_001042492.3 (MANE Select); coding-DNA position 1660, C replaced by T.
Protein change: p.Gln554Ter; replaces glutamine 554 with a stop codon.
Molecular consequence: nonsense.
Genome position (GRCh38, 1-based): chr17:31,221,868, C>T. VCF-style: chr17-31221868-C-T. GRCh37 (hg19) VCF-style: chr17-29548886-C-T.
Other names: c.1660C>T, p.Gln554Ter (NM_000267.4, NM_001128147.3); short protein forms Q554*.
Identifiers: ClinVar variation 547601 (VCV000547601.19), dbSNP rs953440640, ClinGen allele CA399002242.

ClinVar aggregate classification (germline): Pathogenic/Likely pathogenic. Review status: criteria provided, multiple submitters, no conflicts (2 of 4 stars). 7 submissions from 7 submitters: Pathogenic (5); Likely pathogenic (2). Last evaluated 2026-02-26.

Conditions:
Neurofibromatosis, type 1 (NF1). Also called: Peripheral type neurofibromatosis; Neurofibromatosis, type I; VON RECKLINGHAUSEN DISEASE; NEUROFIBROMATOSIS, TYPE I, SOMATIC. Identifiers: Orphanet 636, MedGen C0027831, MONDO:0018975, OMIM 162200. Disease mechanism: loss of function.

Submissions (7):

NHS Central & South Genomic Laboratory Hub
Classification: Pathogenic for Neurofibromatosis type 1. Last evaluated: 2026-02-26. Review status: criteria provided, single submitter. Criteria: ACMG Guidelines, 2015. Collection method: clinical testing. Allele origin: germline. Affected: yes.

GeneDx
Classification: Pathogenic. Last evaluated: 2025-04-02. Review status: criteria provided, single submitter. Criteria: GeneDx Variant Classification Process June 2021. Collection method: clinical testing. Allele origin: germline.
Comment: Nonsense variant predicted to result in protein truncation or nonsense mediated decay in a gene for which loss of function is a known mechanism of disease; Not observed at significant frequency in large population cohorts (gnomAD); Observed in a patient in the published literature; however, this patient's phenotype was not described (PMID: 28851938); This variant is associated with the following publications: (PMID: 23656349, 28851938)

Genome-Nilou Lab
Classification: Likely pathogenic for Neurofibromatosis, type 1. Last evaluated: 2022-03-15. Review status: criteria provided, single submitter. Criteria: ACMG Guidelines, 2015. Collection method: clinical testing. Allele origin: germline. Affected: no.

Labcorp Genetics (formerly Invitae), Labcorp
Classification: Pathogenic for Neurofibromatosis, type 1. Last evaluated: 2021-10-09. Review status: criteria provided, single submitter. Criteria: Invitae Variant Classification Sherloc (09022015). Collection method: clinical testing. Allele origin: germline.
Comment: For these reasons, this variant has been classified as Pathogenic. ClinVar contains an entry for this variant (Variation ID: 547601). This variant has not been reported in the literature in individuals affected with NF1-related conditions. This variant is not present in population databases (ExAC no frequency). This sequence change creates a premature translational stop signal (p.Gln554*) in the NF1 gene. It is expected to result in an absent or disrupted protein product. Loss-of-function variants in NF1 are known to be pathogenic (PMID: 10712197, 23913538).

MGZ Medical Genetics Center
Classification: Pathogenic for Neurofibromatosis, type 1. Last evaluated: 2021-10-04. Review status: criteria provided, single submitter. Criteria: ACMG Guidelines, 2015. Collection method: clinical testing. Allele origin: germline. Affected: yes. Observed: 1 variant allele.
Comment: ACMG criteria applied: PVS1, PS4_MOD, PM2_SUP, PP4

ARUP Laboratories, Molecular Genetics and Genomics, ARUP Laboratories
Classification: Pathogenic. Last evaluated: 2017-06-07. Review status: criteria provided, single submitter. Criteria: ARUP Molecular Germline Variant Investigation Process. Collection method: clinical testing. Allele origin: germline.
Comment: The NF1 c.1660C>T;p.Gln554Ter variant is listed as pathogenic in a gene-specific database in two individuals (see link below). Additionally, according to a personal communication with the Human Gene Mutation Database, this variant was also included in van Minkelen 2014. The variant is not listed in the ClinVar database, the dbSNP variant database, or in the general population-based databases (Exome Variant Server, Genome Aggregation Database). This variant introduces a premature termination codon and is predicted to result in a truncated or absent protein. Considering available information, this variant is classified as pathogenic. References: Link to NF1 database: van Minkelen R et al. A clinical and genetic overview of 18 years neurofibromatosis type 1 molecular diagnostics in the Netherlands. Clin Genet. 2014 Apr;85(4):318-27.

Center for Human Genetics, Inc
Classification: Likely pathogenic for Neurofibromatosis, type 1. Last evaluated: 2016-11-01. Review status: criteria provided, single submitter. Criteria: ACMG Guidelines, 2015. Collection method: clinical testing. Allele origin: germline. Affected: yes.

Literature cited by the submitters: PubMed 10712197 (cited by Labcorp Genetics (formerly Invitae), Labcorp); PubMed 23913538 (cited by Labcorp Genetics (formerly Invitae), Labcorp).